The following is an entry in ClinVar:

NM_001458.5(FLNC):c.1412-95C>G

Gene: FLNC (filamin C; plus strand). Cytogenetic location: 7q32.1.
Variant type: single nucleotide variant.
Coding change: c.1412-95C>G on transcript NM_001458.5 (MANE Select); 95 bases into the intron before coding-DNA position 1412, C replaced by G.
Molecular consequence: intron variant.
Genome position (GRCh38, 1-based): chr7:128,839,928, C>G. VCF-style: chr7-128839928-C-G. GRCh37 (hg19) VCF-style: chr7-128479982-C-G.
Other names: c.1412-95C>G (NM_001127487.2).
Identifiers: ClinVar variation 680206 (VCV000680206.2), dbSNP rs61448157, ClinGen allele CA12572514.
Genomic context (GRCh38, chr7:128,839,928, plus strand): 5'-GCCCCGGTTGTGCTGGGGACACAAAGGGCTCCAGAGCAGGGCCGTGGGCCACTGCCTGTG[C>G]CTGGGAGGGGTTAGAAGGACTGTGCACAGGGAGGTGGGGGCTAGTGGTCCAAGGCCCCTC-3'

ClinVar aggregate classification (germline): Benign. Review status: criteria provided, multiple submitters, no conflicts (2 of 4 stars). 2 submissions from 2 submitters: Benign (2). Last evaluated 2018-06-14.

Allele frequency attached by ClinVar (database versions not stated): TOPMed 0.17790; 1000 Genomes Project 0.20248; 1000 Genomes Project 30x 0.20565.

Submissions (2):

GeneDx
Classification: Benign. Last evaluated: 2018-06-14. Review status: criteria provided, single submitter. Criteria: GeneDx Variant Classification (06012015). Collection method: clinical testing. Allele origin: germline. Affected: yes.
Comment: This variant is considered likely benign or benign based on one or more of the following criteria: it is a conservative change, it occurs at a poorly conserved position in the protein, it is predicted to be benign by multiple in silico algorithms, and/or has population frequency not consistent with disease.

Breakthrough Genomics
Classification: Benign. Review status: criteria provided, single submitter. Criteria: ACMG Guidelines, 2015. Collection method: not provided. Allele origin: germline. Inheritance: Autosomal dominant inheritance. Affected: yes.